The following is an entry in ClinVar:

NM_001918.5(DBT):c.*594A>G

Gene: DBT (dihydrolipoamide branched chain transacylase E2; minus strand). Cytogenetic location: 1p21.2.
Variant type: single nucleotide variant.
Coding change: c.*594A>G on transcript NM_001918.5 (MANE Select); 594 bases downstream of the stop codon, A replaced by G.
Molecular consequence: 3 prime UTR variant.
Genome position (GRCh38, 1-based): chr1:100,195,661, T>C on the plus strand (A>G on the coding strand, the complement: DBT is on the minus strand). VCF-style: chr1-100195661-T-C. GRCh37 (hg19) VCF-style: chr1-100661217-T-C.
Identifiers: ClinVar variation 291445 (VCV000291445.5), dbSNP rs147781191, ClinGen allele CA10607149.

ClinVar aggregate classification (germline): Benign (1 of 4 stars; one submission).

Conditions:
Maple syrup urine disease (MSUD). Identifiers: Orphanet 511, MedGen C0024776, MeSH D008375, MONDO:0009563. Disease mechanism: loss of function.

Allele frequency attached by ClinVar (database versions not stated): gnomAD exomes 0.00049; gnomAD 0.00150 and 0.00190; TOPMed 0.00160; 1000 Genomes Project 30x 0.00812; 1000 Genomes Project 0.00938.
gnomAD v4.1: 290 of 154,378 alleles (0.19%); highest among the groups gnomAD compares: East Asian, 2.9%; 3 homozygotes.

Submission:

Illumina Laboratory Services, Illumina
Classification: Benign for Maple syrup urine disease type 1A. Last evaluated: 2018-01-12. Review status: criteria provided, single submitter. Criteria: ICSL Variant Classification Criteria 13 December 2019. Collection method: clinical testing. Allele origin: germline.
Comment: This variant was observed in the ICSL laboratory as part of a predisposition screen in an ostensibly healthy population. It had not been previously curated by ICSL or reported in the Human Gene Mutation Database (HGMD: prior to June 1st, 2018), and was therefore a candidate for classification through an automated scoring system. Utilizing variant allele frequency, disease prevalence and penetrance estimates, and inheritance mode, an automated score was calculated to assess if this variant is too frequent to cause the disease. Based on the score and internal cut-off values, a variant classified as benign is not then subjected to further curation. The score for this variant resulted in a classification of benign for this disease.